The following is an entry in ClinVar:

NM_001042492.3(NF1):c.5813-24T>C

Gene: NF1 (neurofibromin 1; plus strand). Cytogenetic location: 17q11.2.
Variant type: single nucleotide variant.
Coding change: c.5813-24T>C on transcript NM_001042492.3 (MANE Select); 24 bases into the intron before coding-DNA position 5813, T replaced by C.
Molecular consequence: intron variant.
Genome position (GRCh38, 1-based): chr17:31,334,814, T>C. VCF-style: chr17-31334814-T-C. GRCh37 (hg19) VCF-style: chr17-29661832-T-C.
Other names: c.5750-24T>C (NM_000267.4).
Identifiers: ClinVar variation 3041451 (VCV003041451.2), dbSNP rs372544587, ClinGen allele CA8487264.

ClinVar aggregate classification (germline): Likely benign (0 of 4 stars; one submission).

Conditions:
NF1-related disorder. Also called: NF1-related condition. Identifiers: MedGen CN379171.

Allele frequency attached by ClinVar (database versions not stated): ExAC 0.00005; TOPMed 0.00013; ESP Exome Variant Server 0.00015; gnomAD 0.00016; 1000 Genomes Project 0.00060; 1000 Genomes Project 30x 0.00062.
gnomAD v4.1: 44 of 1,565,620 alleles (0.0028%); highest among the groups gnomAD compares: African/African-American, 0.059%; no homozygotes.

Submission:

PreventionGenetics, part of Exact Sciences
Classification: Likely benign for NF1-related condition. Last evaluated: 2022-02-01. Review status: no assertion criteria provided. Collection method: clinical testing. Allele origin: germline.
Comment: This variant is classified as likely benign based on ACMG/AMP sequence variant interpretation guidelines (Richards et al. 2015 PMID: 25741868, with internal and published modifications).